The following is an entry in ClinVar:

ClinVar aggregate classification (germline): Likely benign (1 of 4 stars; one submission).

Allele frequency attached by ClinVar (database versions not stated): gnomAD 0.00001; gnomAD exomes 0.00001; ExAC 0.00002; TOPMed 0.00002.
gnomAD v4.1: 13 of 1,614,118 alleles (0.00081%); highest among the groups gnomAD compares: Non-Finnish European, 0.0011%; no homozygotes.

Submission:

CeGaT Center for Human Genetics Tuebingen
Classification: Likely benign. Last evaluated: 2022-07-01. Review status: criteria provided, single submitter. Criteria: CeGaT Center For Human Genetics Tuebingen Variant Classification Criteria Version 2. Collection method: clinical testing. Allele origin: germline. Affected: yes. Observed: 1 variant allele.
Comment: MMP21: BP4, BP7

NM_147191.1(MMP21):c.792G>A (p.Glu264=)

Gene: MMP21 (matrix metallopeptidase 21; minus strand). Cytogenetic location: 10q26.2.
Variant type: single nucleotide variant.
Coding change: c.792G>A on transcript NM_147191.1 (MANE Select); coding-DNA position 792, G replaced by A.
Protein change: p.Glu264=; no amino-acid change (glutamic acid 264 retained).
Molecular consequence: synonymous variant.
Genome position (GRCh38, 1-based): chr10:125,772,656, C>T on the plus strand (G>A on the coding strand, the complement: MMP21 is on the minus strand). VCF-style: chr10-125772656-C-T. GRCh37 (hg19) VCF-style: chr10-127461225-C-T.
Identifiers: ClinVar variation 2640956 (VCV002640956.24), dbSNP rs769743257, ClinGen allele CA5738108.